The following is an entry in ClinVar:

NM_173854.6(SLC41A1):c.618T>A (p.Asp206Glu)

Gene: SLC41A1 (solute carrier family 41 member 1; minus strand). Cytogenetic location: 1q32.1.
Variant type: single nucleotide variant.
Coding change: c.618T>A on transcript NM_173854.6 (MANE Select); coding-DNA position 618, T replaced by A.
Protein change: p.Asp206Glu; replaces aspartic acid 206 with glutamic acid.
Molecular consequence: missense variant.
Genome position (GRCh38, 1-based): chr1:205,799,036, A>T on the plus strand (T>A on the coding strand, the complement: SLC41A1 is on the minus strand). VCF-style: chr1-205799036-A-T. GRCh37 (hg19) VCF-style: chr1-205768164-A-T.
Other names: short protein forms D206E.
Identifiers: ClinVar variation 1980154 (VCV001980154.6), dbSNP rs1303920116, ClinGen allele CA344434035.
Genomic context (GRCh38, chr1:205,799,036, plus strand): 5'-GAAGGCTGTGGCCACGCTGCTAGCACAGAGCAGGAAGGCGTGCGGAATACTGAAGTGGCC[A>T]TCAGGGATCCAGCCAAAGACGACGGCTGCGATGGACGCCAGGAAGCCCACCACCGTGGCC-3'
Protein context (NP_776253.3, residues 196-216): IAAVVFGWIP[Asp206Glu]GHFSIPHAFL

ClinVar aggregate classification (germline): Uncertain significance. Review status: criteria provided, multiple submitters, no conflicts (2 of 4 stars). 2 submissions from 2 submitters: Uncertain significance (2). Last evaluated 2025-06-29.

Allele frequency attached by ClinVar (database versions not stated): gnomAD 0.00001.
gnomAD v4.1: 8 of 1,613,816 alleles (0.0005%); highest among the groups gnomAD compares: South Asian, 0.0088%; no homozygotes.

Submissions (2):

Ambry Genetics
Classification: Uncertain significance. Last evaluated: 2025-06-29. Review status: criteria provided, single submitter. Criteria: Ambry Variant Classification Scheme 2023. Collection method: clinical testing. Allele origin: germline.

Labcorp Genetics (formerly Invitae), Labcorp
Classification: Uncertain significance. Last evaluated: 2025-04-07. Review status: criteria provided, single submitter. Criteria: Invitae Variant Classification Sherloc (09022015). Collection method: clinical testing. Allele origin: germline.
Comment: This sequence change replaces aspartic acid, which is acidic and polar, with glutamic acid, which is acidic and polar, at codon 206 of the SLC41A1 protein (p.Asp206Glu). This variant is present in population databases (no rsID available, gnomAD 0.003%). This variant has not been reported in the literature in individuals affected with SLC41A1-related conditions. ClinVar contains an entry for this variant (Variation ID: 1980154). An algorithm developed to predict the effect of missense changes on protein structure and function (PolyPhen-2) suggests that this variant is likely to be tolerated. In summary, the available evidence is currently insufficient to determine the role of this variant in disease. Therefore, it has been classified as a Variant of Uncertain Significance.